The following is an entry in ClinVar:

NM_000135.4(FANCA):c.802G>A (p.Asp268Asn)

Gene: FANCA (FA complementation group A; minus strand). Cytogenetic location: 16q24.3.
Variant type: single nucleotide variant.
Coding change: c.802G>A on transcript NM_000135.4 (MANE Select); coding-DNA position 802, G replaced by A.
Protein change: p.Asp268Asn; replaces aspartic acid 268 with asparagine.
Molecular consequence: missense variant.
Genome position (GRCh38, 1-based): chr16:89,799,629, C>T on the plus strand (G>A on the coding strand, the complement: FANCA is on the minus strand). VCF-style: chr16-89799629-C-T. GRCh37 (hg19) VCF-style: chr16-89866037-C-T.
Other names: c.802G>A, p.Asp268Asn (NM_001018112.3, NM_001286167.3); c.706G>A, p.Asp236Asn (NM_001351830.2); short protein forms D236N, D268N.
Identifiers: ClinVar variation 4826900 (VCV004826900.1).

ClinVar aggregate classification (germline): Uncertain significance (1 of 4 stars; one submission).

Conditions:
Inborn genetic diseases. Identifiers: MedGen C0950123, MeSH D030342.

gnomAD v4.1: 1 of 1,613,460 alleles (0.000062%); highest among the groups gnomAD compares: Non-Finnish European, 0.000085%; no homozygotes.

Submission:

Ambry Genetics
Classification: Uncertain significance for Inborn genetic diseases. Last evaluated: 2026-02-23. Review status: criteria provided, single submitter. Criteria: Ambry Variant Classification Scheme 2023. Collection method: clinical testing. Allele origin: germline.
Comment: The p.D268N variant (also known as c.802G>A), located in coding exon 9 of the FANCA gene, results from a G to A substitution at nucleotide position 802. The aspartic acid at codon 268 is replaced by asparagine, an amino acid with highly similar properties. This amino acid position is conserved. In addition, this alteration is predicted to be tolerated by in silico analysis. Based on the available evidence, the clinical significance of this variant remains unclear.